The following is an entry in ClinVar:

ClinVar aggregate classification (germline): Uncertain significance (1 of 4 stars; one submission).

Conditions:
Primary dilated cardiomyopathy (DCM). Also called: Dilated Cardiomyopathy. Identifiers: Orphanet 217604, MedGen C0007193, MeSH D002311, MONDO:0005021, HP:0001644. Inheritance: Various modes of inheritance.

gnomAD v4.1: 1 of 1,613,718 alleles (0.000062%); highest among the groups gnomAD compares: Non-Finnish European, 0.000085%; no homozygotes.

Submission:

Victorian Clinical Genetics Services, Murdoch Childrens Research Institute
Classification: Uncertain significance for Primary dilated cardiomyopathy. Last evaluated: 2024-12-13. Review status: criteria provided, single submitter. Criteria: ACMG Guidelines, 2015. Collection method: clinical testing. Allele origin: germline. Affected: yes.
Comment: This variant is classified as VUS-3B. Evidence in support of pathogenic classification: Variant is present in gnomAD <0.001 for a dominant condition (v4: 1 heterozygote(s), 0 homozygote(s)); Missense variant consistently predicted to be damaging by in silico tool or highly conserved with a major amino acid change. Additional information: Variant is predicted to result in a missense amino acid change from proline to serine; This variant is heterozygous; This gene is associated with autosomal dominant disease. Variants located throughout the gene that are predicted to result in nonsense-mediated decay (NMD) are enriched in dilated cardiomyopathy, whereas missense variants in the ROD2 domain are enriched in familial hypertrophic cardiomyopathy 26 and familial restrictive cardiomyopathy 5 (MIM#617047). Additionally, myofibrillar myopathy 5 (MIM#609524) is known to result from either missense variants in the ROD2 domain or truncating variants in the Ig-like domain 24, while missense variants in the actin-binding domain and NMD-predicted variants located in the Ig-like domain 15 and have been reported for distal myopathy 4 (MIM#614065) (PMID: 32112656); This variant has no previous evidence of pathogenicity; No published segregation evidence has been identified for this variant; No published functional evidence has been identified for this variant; No comparable missense variants have previous evidence for pathogenicity; Variant is located in the annotated filamin/ABP280 repeat domain (DECIPHER); Loss of function and gain of function are known mechanisms of disease in this gene. Loss of function is the established mechanism of disease for variants in dilated cardiomyopathy (PMID: 32112656), familial hypertrophic cardiomyopathy 26 (MIM#617047), familial restrictive cardiomyopathy 5 (MIM#617047), familial arrhythmogenic right ventricular dysplasia (MIM#617047), and myofibrillar myopathy 5 (MIM#609524). In distal myopathy 4 (MIM#614065), NMD-predicted variants cause a loss of function, however missense variants have been shown to result in a toxic gain of function (PMID: 32112656); Variants in this gene are known to have variable expressivity in relation to arrhythmogenic right ventricular cardiomyopathy (PMID: 31627847); Inheritance information for this variant is not currently available in this individual.

Literature cited by the submitters: PubMed 31627847; PubMed 32112656.

NM_001458.5(FLNC):c.4006C>T (p.Pro1336Ser)

Gene: FLNC (filamin C; plus strand). Cytogenetic location: 7q32.1.
Variant type: single nucleotide variant.
Coding change: c.4006C>T on transcript NM_001458.5 (MANE Select); coding-DNA position 4006, C replaced by T.
Protein change: p.Pro1336Ser; replaces proline 1336 with serine.
Molecular consequence: missense variant.
Genome position (GRCh38, 1-based): chr7:128,846,342, C>T. VCF-style: chr7-128846342-C-T. GRCh37 (hg19) VCF-style: chr7-128486396-C-T.
Other names: c.4006C>T, p.Pro1336Ser (NM_001127487.2); short protein forms P1336S.
Identifiers: ClinVar variation 4532061 (VCV004532061.1).